The following is an entry in ClinVar:

ClinVar aggregate classification (germline): Uncertain significance. Review status: criteria provided, multiple submitters, no conflicts (2 of 4 stars). 2 submissions from 2 submitters: Uncertain significance (2). Last evaluated 2025-10-19.

Conditions:
CRB1-related disorder. Also called: CRB1-related disorders; CRB1-related condition.
Leber congenital amaurosis 8 (LCA8). Identifiers: Orphanet 65, MedGen C3151202, MONDO:0013453, OMIM 613835.
Retinitis pigmentosa 12 (RP12). Also called: RP WITH OR WITHOUT PRESERVED PARAARTERIOLE RETINAL PIGMENT EPITHELIUM; RETINITIS PIGMENTOSA WITH OR WITHOUT PARAARTERIOLAR PRESERVATION OF RETINAL PIGMENT EPITHELIUM; RP WITH OR WITHOUT PPRPE. Identifiers: Orphanet 791, MedGen C1838647, MONDO:0010818, OMIM 600105.

Allele frequency attached by ClinVar (database versions not stated): gnomAD 0.00001; gnomAD exomes 0.00001 and 0.00005; ExAC 0.00005.
gnomAD v4.1: 19 of 1,613,586 alleles (0.0012%); highest among the groups gnomAD compares: Admixed American, 0.023%; no homozygotes.

Submissions (2):

PreventionGenetics, part of Exact Sciences
Classification: Uncertain significance for CRB1-related condition. Last evaluated: 2025-10-19. Review status: criteria provided, single submitter. Criteria: ACMG Guidelines, 2015. Collection method: clinical testing. Allele origin: germline.
Comment: The CRB1 c.4027G>A variant is predicted to result in the amino acid substitution p.Asp1343Asn. To our knowledge, this variant has not been reported in the literature. This variant is reported in 0.032% of alleles in individuals of Latino descent in gnomAD. At this time, the clinical significance of this variant is uncertain due to the absence of conclusive functional and genetic evidence.

Labcorp Genetics (formerly Invitae), Labcorp
Classification: Uncertain significance for Leber congenital amaurosis 8; Retinitis pigmentosa 12. Last evaluated: 2022-01-10. Review status: criteria provided, single submitter. Criteria: Invitae Variant Classification Sherloc (09022015). Collection method: clinical testing. Allele origin: germline.
Comment: This sequence change replaces aspartic acid, which is acidic and polar, with asparagine, which is neutral and polar, at codon 1343 of the CRB1 protein (p.Asp1343Asn). This variant is present in population databases (rs771181041, gnomAD 0.03%). This variant has not been reported in the literature in individuals affected with CRB1-related conditions. Advanced modeling of protein sequence and biophysical properties (such as structural, functional, and spatial information, amino acid conservation, physicochemical variation, residue mobility, and thermodynamic stability) performed at Invitae indicates that this missense variant is not expected to disrupt CRB1 protein function. In summary, the available evidence is currently insufficient to determine the role of this variant in disease. Therefore, it has been classified as a Variant of Uncertain Significance.

NM_201253.3(CRB1):c.4027G>A (p.Asp1343Asn)

Gene: CRB1 (crumbs cell polarity complex component 1; plus strand). Cytogenetic location: 1q31.3.
Variant type: single nucleotide variant.
Coding change: c.4027G>A on transcript NM_201253.3 (MANE Select); coding-DNA position 4027, G replaced by A.
Protein change: p.Asp1343Asn; replaces aspartic acid 1343 with asparagine.
Molecular consequence: missense variant. On other transcripts: non-coding transcript variant (2).
Genome position (GRCh38, 1-based): chr1:197,477,685, G>A. VCF-style: chr1-197477685-G-A. GRCh37 (hg19) VCF-style: chr1-197446815-G-A.
Other names: c.4027G>A (NM_201253.2); c.3691G>A, p.Asp1231Asn (NM_001193640.2); c.3955G>A, p.Asp1319Asn (NM_001257965.2); c.2419G>A, p.Asp807Asn (NM_001257966.2); short protein forms D1319N, D1343N, D807N, D1231N.
Identifiers: ClinVar variation 1462803 (VCV001462803.6), dbSNP rs771181041, ClinGen allele CA1312537.